The following is an entry in ClinVar:

ClinVar aggregate classification (germline): Likely benign (1 of 4 stars; one submission).

gnomAD v4.1: 33 of 1,560,852 alleles (0.0021%); highest among the groups gnomAD compares: Non-Finnish European, 0.0026%; no homozygotes.

Submission:

CeGaT Center for Human Genetics Tuebingen
Classification: Likely benign. Last evaluated: 2026-02-01. Review status: criteria provided, single submitter. Criteria: CeGaT Center For Human Genetics Tuebingen Variant Classification Criteria Version 2. Collection method: clinical testing. Allele origin: germline. Affected: yes. Observed: 1 variant allele.
Comment: AHDC1: BP1, BP4, BS2

NM_001371928.1(AHDC1):c.1039C>T (p.Arg347Cys)

Gene: AHDC1 (AT-hook DNA binding motif containing 1; minus strand). Cytogenetic location: 1p36.11.
Variant type: single nucleotide variant.
Coding change: c.1039C>T on transcript NM_001371928.1 (MANE Select); coding-DNA position 1039, C replaced by T.
Protein change: p.Arg347Cys; replaces arginine 347 with cysteine.
Molecular consequence: missense variant.
Genome position (GRCh38, 1-based): chr1:27,551,077, G>A on the plus strand (C>T on the coding strand, the complement: AHDC1 is on the minus strand). VCF-style: chr1-27551077-G-A. GRCh37 (hg19) VCF-style: chr1-27877588-G-A.
Other names: c.1039C>T, p.Arg347Cys (NM_001029882.3); short protein forms R347C.
Identifiers: ClinVar variation 4823384 (VCV004823384.4).